The following is an entry in ClinVar:

ClinVar aggregate classification (germline): Uncertain significance (0 of 4 stars; one submission).

Conditions:
VCL-related disorder. Also called: VCL-related condition.

gnomAD v4.1: 1 of 1,614,112 alleles (0.000062%); highest among the groups gnomAD compares: Non-Finnish European, 0.000085%; no homozygotes.

Submission:

PreventionGenetics, part of Exact Sciences
Classification: Uncertain significance for VCL-related condition. Last evaluated: 2024-09-17. Review status: no assertion criteria provided. Collection method: clinical testing. Allele origin: germline.
Comment: The VCL c.892G>A variant is predicted to result in the amino acid substitution p.Ala298Thr. To our knowledge, this variant has not been reported in the literature or in a large population database, indicating this variant is rare. At this time, the clinical significance of this variant is uncertain due to the absence of conclusive functional and genetic evidence.

NM_014000.3(VCL):c.892G>A (p.Ala298Thr)

Gene: VCL (vinculin; plus strand). Cytogenetic location: 10q22.2.
Variant type: single nucleotide variant.
Coding change: c.892G>A on transcript NM_014000.3 (MANE Select); coding-DNA position 892, G replaced by A.
Protein change: p.Ala298Thr; replaces alanine 298 with threonine.
Molecular consequence: missense variant.
Genome position (GRCh38, 1-based): chr10:74,083,383, G>A. VCF-style: chr10-74083383-G-A. GRCh37 (hg19) VCF-style: chr10-75843141-G-A.
Other names: c.892G>A, p.Ala298Thr (NM_003373.4); short protein forms A298T.
Identifiers: ClinVar variation 3347273 (VCV003347273.1).